The following is an entry in ClinVar:

NM_005148.4(UNC119):c.169A>T (p.Lys57Ter)

Genes: UNC119 (unc-119 lipid binding chaperone; minus strand), LOC130060555 (ATAC-STARR-seq lymphoblastoid silent region 8343; plus strand). Cytogenetic location: 17q11.2.
Variant type: single nucleotide variant.
Coding change: c.169A>T on transcript NM_005148.4 (MANE Select); coding-DNA position 169, A replaced by T.
Protein change: p.Lys57Ter; replaces lysine 57 with a stop codon.
Molecular consequence: nonsense. On other transcripts: 5 prime UTR variant (1).
Genome position (GRCh38, 1-based): chr17:28,552,389, T>A on the plus strand (A>T on the coding strand, the complement: UNC119 is on the minus strand). VCF-style: chr17-28552389-T-A. GRCh37 (hg19) VCF-style: chr17-26879407-T-A.
Other names: c.-145A>T (NM_001330166.2); c.169A>T, p.Lys57Ter (NM_054035.2); short protein forms K57*.
Identifiers: ClinVar variation 5882 (VCV000005882.13), dbSNP rs267607166, ClinGen allele CA117828.

ClinVar aggregate classification (germline): Uncertain significance. Review status: criteria provided, multiple submitters, no conflicts (2 of 4 stars). 3 submissions from 3 submitters: Uncertain significance (2). 1 of the submissions does not count toward it. Last evaluated 2025-09-25.

Conditions:
Cone-rod dystrophy 24 (CORD24). Identifiers: MedGen C5830446, MONDO:0957240, OMIM 620342.

Allele frequency attached by ClinVar (database versions not stated): gnomAD exomes 0.00009; ExAC 0.00013; TOPMed 0.00014; gnomAD 0.00015 and 0.00017.
gnomAD v4.1: 349 of 1,551,476 alleles (0.022%); highest among the groups gnomAD compares: Non-Finnish European, 0.027%; 1 homozygote.

Submissions (3):

Labcorp Genetics (formerly Invitae), Labcorp
Classification: Uncertain significance. Last evaluated: 2025-09-25. Review status: criteria provided, single submitter. Criteria: Invitae Variant Classification Sherloc (09022015). Collection method: clinical testing. Allele origin: germline.
Comment: This sequence change creates a premature translational stop signal (p.Lys57*) in the UNC119 gene. It is expected to result in an absent or disrupted protein product. However, the current clinical and genetic evidence is not sufficient to establish whether loss-of-function variants in UNC119 cause disease. This variant is present in population databases (rs267607166, gnomAD 0.04%). This premature translational stop signal has been observed in individual(s) with cone-rod dystrophy (PMID: 11006213). ClinVar contains an entry for this variant (Variation ID: 5882). Algorithms developed to predict the effect of variants on gene product structure and function are not available or were not evaluated for this variant. Experimental studies have shown that this premature translational stop signal affects UNC119 function (PMID: 11006213). In summary, the available evidence is currently insufficient to determine the role of this variant in disease. Therefore, it has been classified as a Variant of Uncertain Significance.

GeneDx
Classification: Uncertain significance. Last evaluated: 2025-05-12. Review status: criteria provided, single submitter. Criteria: GeneDx Variant Classification Process June 2021. Collection method: clinical testing. Allele origin: germline. Affected: yes.
Comment: Seen heterozygous in an individual with late-onset cone-rod dystrophy (PMID: 11006213); Nonsense variant predicted to result in protein truncation or nonsense mediated decay in a gene or region of a gene for which loss-of-function is not an established mechanism of disease; This variant is associated with the following publications: (PMID: 31589614, 33681987, 11006213, 30910914)

OMIM
Classification: Pathogenic for CONE-ROD DYSTROPHY 24. Last evaluated: 2000-10-01. Review status: no assertion criteria provided. Collection method: literature only. Allele origin: germline. Not counted in ClinVar's aggregate classification.

Literature cited by the submitters: PubMed 11006213 (cited by Labcorp Genetics (formerly Invitae), Labcorp and OMIM).